The following is an entry in ClinVar:

ClinVar aggregate classification (germline): Uncertain significance. Review status: criteria provided, multiple submitters, no conflicts (2 of 4 stars). 2 submissions from 2 submitters: Uncertain significance (2). Last evaluated 2025-12-30.

Conditions:
Charcot-Marie-Tooth Neuropathy X. Identifiers: MedGen CN118851.
Combined oxidative phosphorylation deficiency. Identifiers: MedGen C4540031, MONDO:0000732.
AIFM1-related disorder. Also called: AIFM1-related condition.

Submissions (2):

PreventionGenetics, part of Exact Sciences
Classification: Uncertain significance for AIFM1-related condition. Last evaluated: 2025-12-30. Review status: criteria provided, single submitter. Criteria: ACMG Guidelines, 2015. Collection method: clinical testing. Allele origin: germline.
Comment: The AIFM1 c.1328A>G variant is predicted to result in the amino acid substitution p.Tyr443Cys. To our knowledge, this variant has not been reported in the literature or in a large population database (gnomAD), indicating this variant is rare. At this time, the clinical significance of this variant is uncertain due to the absence of conclusive functional and genetic evidence.

Labcorp Genetics (formerly Invitae), Labcorp
Classification: Uncertain significance for Charcot-Marie-Tooth Neuropathy X; Combined oxidative phosphorylation deficiency. Last evaluated: 2025-02-04. Review status: criteria provided, single submitter. Criteria: Invitae Variant Classification Sherloc (09022015). Collection method: clinical testing. Allele origin: germline.
Comment: This sequence change replaces tyrosine, which is neutral and polar, with cysteine, which is neutral and slightly polar, at codon 443 of the AIFM1 protein (p.Tyr443Cys). This variant is not present in population databases (gnomAD no frequency). This variant has not been reported in the literature in individuals affected with AIFM1-related conditions. Invitae Evidence Modeling of protein sequence and biophysical properties (such as structural, functional, and spatial information, amino acid conservation, physicochemical variation, residue mobility, and thermodynamic stability) indicates that this missense variant is expected to disrupt AIFM1 protein function with a positive predictive value of 80%. In summary, the available evidence is currently insufficient to determine the role of this variant in disease. Therefore, it has been classified as a Variant of Uncertain Significance.

NM_004208.4(AIFM1):c.1328A>G (p.Tyr443Cys)

Genes: AIFM1 (apoptosis inducing factor mitochondria associated 1; minus strand), RAB33A (RAB33A, member RAS oncogene family; plus strand). Cytogenetic location: Xq26.1.
Variant type: single nucleotide variant.
Coding change: c.1328A>G on transcript NM_004208.4 (MANE Select); coding-DNA position 1328, A replaced by G.
Protein change: p.Tyr443Cys; replaces tyrosine 443 with cysteine.
Molecular consequence: missense variant. On other transcripts: 3 prime UTR variant (1), non-coding transcript variant (1).
Genome position (GRCh38, 1-based): chrX:130,133,433, T>C on the plus strand (A>G on the coding strand, the complement: AIFM1 is on the minus strand). VCF-style: chrX-130133433-T-C. GRCh37 (hg19) VCF-style: chrX-129267408-T-C.
Other names: c.311A>G, p.Tyr104Cys (NM_001130846.4); c.*556A>G (NM_001130847.4); c.1316A>G, p.Tyr439Cys (NM_145812.3); c.1328A>G (NM_004208.3); short protein forms Y439C, Y443C, Y104C.
Identifiers: ClinVar variation 4782617 (VCV004782617.2).